The following is an entry in ClinVar:

ClinVar aggregate classification (germline): Pathogenic (1 of 4 stars; one submission).

Conditions:
Frontotemporal dementia and/or amyotrophic lateral sclerosis 4. Also called: FTDALS4. Identifiers: Orphanet 275872, MedGen C4225325, MONDO:0014641, OMIM 616439.

Submission:

Labcorp Genetics (formerly Invitae), Labcorp
Classification: Pathogenic for Frontotemporal dementia and/or amyotrophic lateral sclerosis 4. Last evaluated: 2024-11-07. Review status: criteria provided, single submitter. Criteria: Invitae Variant Classification Sherloc (09022015). Collection method: clinical testing. Allele origin: germline.
Comment: This sequence change creates a premature translational stop signal (p.Leu62Ilefs*36) in the TBK1 gene. It is expected to result in an absent or disrupted protein product. Loss-of-function variants in TBK1 are known to be pathogenic (PMID: 25803835, 26476236, 26581300). This variant is not present in population databases (gnomAD no frequency). This variant has not been reported in the literature in individuals affected with TBK1-related conditions. For these reasons, this variant has been classified as Pathogenic.

Literature cited by the submitters: PubMed 25803835; PubMed 26476236; PubMed 26581300.

NM_013254.4(TBK1):c.184_187del (p.Leu62fs)

Gene: TBK1 (TANK binding kinase 1; plus strand). Cytogenetic location: 12q14.2.
Variant type: Deletion.
Coding change: c.184_187del on transcript NM_013254.4 (MANE Select); coding-DNA positions 184 to 187, 4 bases deleted (CTCA; older notation c.184_187delCTCA).
Protein change: p.Leu62fs; shifts the reading frame from leucine 62.
Molecular consequence: frameshift variant.
Genome position (GRCh38, 1-based): chr12:64,460,285-64,460,288, CTCA deleted; deleting any 4 consecutive bases within chr12:64,460,284-64,460,288 gives the same sequence; the c. name uses the placement nearest the transcript's 3' end. VCF-style (leftmost placement, unchanged base first): chr12-64460283-AACTC-A. GRCh37 (hg19) VCF-style: chr12-64854063-AACTC-A.
Other names: short protein forms L62fs.
Identifiers: ClinVar variation 3694883 (VCV003694883.2).